The following is an entry in ClinVar:

NM_000535.7(PMS2):c.251-7C>T

Gene: PMS2 (PMS1 homolog 2, mismatch repair system component; minus strand). Cytogenetic location: 7p22.1.
Variant type: single nucleotide variant.
Coding change: c.251-7C>T on transcript NM_000535.7 (MANE Select); 7 bases into the intron before coding-DNA position 251, C replaced by T.
Molecular consequence: intron variant.
Genome position (GRCh38, 1-based): chr7:6,003,799, G>A on the plus strand (C>T on the coding strand, the complement: PMS2 is on the minus strand). VCF-style: chr7-6003799-G-A. GRCh37 (hg19) VCF-style: chr7-6043430-G-A.
Other names: c.35+173C>T (NM_001322008.2, NM_001322007.2); c.-155-7C>T (NM_001322010.2, NM_001322004.2, NM_001322013.2 and 3 more transcripts); c.-634-7C>T (NM_001322012.2, NM_001322011.2); c.-234-7C>T (NM_001322015.2); c.251-7C>T (NM_001322006.2, NM_001322014.2).
Identifiers: ClinVar variation 744112 (VCV000744112.12), dbSNP rs1583409220, ClinGen allele CA915944837.

ClinVar aggregate classification (germline): Likely benign. Review status: criteria provided, multiple submitters, no conflicts (2 of 4 stars). 3 submissions from 3 submitters: Likely benign (3). Last evaluated 2025-04-28.

Conditions:
Hereditary nonpolyposis colorectal neoplasms. Identifiers: MedGen C0009405, MeSH D003123.
Lynch syndrome 4 (LYNCH4). Also called: Colorectal cancer, hereditary nonpolyposis, type 4; Hereditary non-polyposis colorectal cancer, type 4. Identifiers: Orphanet 144, MedGen C1838333, MONDO:0013699, OMIM 614337. Disease mechanism: loss of function.

Submissions (3):

Women's Health and Genetics/Laboratory Corporation of America, LabCorp
Classification: Likely benign. Last evaluated: 2025-04-28. Review status: criteria provided, single submitter. Criteria: LabCorp Variant Classification Summary - May 2015. Collection method: clinical testing. Allele origin: germline.

Myriad Genetics, Inc.
Classification: Likely benign for Lynch syndrome 4. Last evaluated: 2025-01-24. Review status: criteria provided, single submitter. Criteria: Myriad Autosomal Dominant, Autosomal Recessive and X-Linked Classification Criteria (2023). Collection method: clinical testing. Allele origin: unknown.
Comment: This variant is considered likely benign. This variant is intronic and is not expected to impact mRNA splicing.

Labcorp Genetics (formerly Invitae), Labcorp
Classification: Likely benign for Hereditary nonpolyposis colorectal neoplasms. Last evaluated: 2024-06-19. Review status: criteria provided, single submitter. Criteria: Invitae Variant Classification Sherloc (09022015). Collection method: clinical testing. Allele origin: germline.